The following is an entry in ClinVar:

NM_052813.5(CARD9):c.1078-6C>T

Gene: CARD9 (caspase recruitment domain family member 9; minus strand). Cytogenetic location: 9q34.3.
Variant type: single nucleotide variant.
Coding change: c.1078-6C>T on transcript NM_052813.5 (MANE Select); 6 bases into the intron before coding-DNA position 1078, C replaced by T.
Molecular consequence: intron variant.
Genome position (GRCh38, 1-based): chr9:136,367,834, G>A on the plus strand (C>T on the coding strand, the complement: CARD9 is on the minus strand). VCF-style: chr9-136367834-G-A. GRCh37 (hg19) VCF-style: chr9-139262286-G-A.
Other names: c.1078-6C>T (NM_052814.4, NM_052813.4).
Identifiers: ClinVar variation 1096294 (VCV001096294.12), dbSNP rs769142671, ClinGen allele CA5332841.

ClinVar aggregate classification (germline): Likely benign. Review status: criteria provided, multiple submitters, no conflicts (2 of 4 stars). 3 submissions from 3 submitters: Likely benign (2). 1 of the submissions does not count toward it. Last evaluated 2025-07-02.

Conditions:
CARD9-related disorder. Also called: CARD9-related condition.
Predisposition to invasive fungal disease due to CARD9 deficiency (IMD103). Also called: Candidiasis, familial, 2, autosomal recessive; IMMUNODEFICIENCY 103, SUSCEPTIBILITY TO FUNGAL INFECTIONS; CARD9 IMMUNODEFICIENCY. Identifiers: Orphanet 457088, MedGen C1859353, MONDO:0008905, OMIM 212050.

Allele frequency attached by ClinVar (database versions not stated): TOPMed 0.00003; gnomAD 0.00005 and 0.00006.
gnomAD v4.1: 71 of 1,597,106 alleles (0.0044%); highest among the groups gnomAD compares: Middle Eastern, 0.016%; no homozygotes.

Submissions (3):

Labcorp Genetics (formerly Invitae), Labcorp
Classification: Likely benign for Predisposition to invasive fungal disease due to CARD9 deficiency. Last evaluated: 2025-07-02. Review status: criteria provided, single submitter. Criteria: Invitae Variant Classification Sherloc (09022015). Collection method: clinical testing. Allele origin: germline.

Blueprint Genetics
Classification: Likely benign. Last evaluated: 2020-05-11. Review status: criteria provided, single submitter. Criteria: ACMG Guidelines, 2015. Collection method: clinical testing. Allele origin: germline.

PreventionGenetics, part of Exact Sciences
Classification: Likely benign for CARD9-related condition. Last evaluated: 2019-05-02. Review status: no assertion criteria provided. Collection method: clinical testing. Allele origin: germline. Not counted in ClinVar's aggregate classification.
Comment: This variant is classified as likely benign based on ACMG/AMP sequence variant interpretation guidelines (Richards et al. 2015 PMID: 25741868, with internal and published modifications).